The following is an entry in ClinVar:

ClinVar aggregate classification (germline): Uncertain significance. Review status: criteria provided, multiple submitters, no conflicts (2 of 4 stars). 2 submissions from 2 submitters: Uncertain significance (2). Last evaluated 2026-02-12.

Allele frequency attached by ClinVar (database versions not stated): gnomAD exomes below 0.00001.
gnomAD v4.1: 1 of 1,614,102 alleles (0.000062%); highest among the groups gnomAD compares: African/African-American, 0.0013%; no homozygotes.

Submissions (2):

GeneDx
Classification: Uncertain significance. Last evaluated: 2026-02-12. Review status: criteria provided, single submitter. Criteria: GeneDx Variant Classification Process June 2021. Collection method: clinical testing. Allele origin: germline.
Comment: Not observed at significant frequency in large population cohorts (gnomAD); In silico analysis suggests that this missense variant does not alter protein structure/function; Has not been previously published as pathogenic or benign to our knowledge

Labcorp Genetics (formerly Invitae), Labcorp
Classification: Uncertain significance. Last evaluated: 2024-05-15. Review status: criteria provided, single submitter. Criteria: Invitae Variant Classification Sherloc (09022015). Collection method: clinical testing. Allele origin: germline.
Comment: This sequence change replaces valine, which is neutral and non-polar, with leucine, which is neutral and non-polar, at codon 670 of the DNM1L protein (p.Val670Leu). This variant is not present in population databases (gnomAD no frequency). This variant has not been reported in the literature in individuals affected with DNM1L-related conditions. ClinVar contains an entry for this variant (Variation ID: 1392208). An algorithm developed to predict the effect of missense changes on protein structure and function (PolyPhen-2) suggests that this variant is likely to be disruptive. In summary, the available evidence is currently insufficient to determine the role of this variant in disease. Therefore, it has been classified as a Variant of Uncertain Significance.

NM_012062.5(DNM1L):c.2008G>C (p.Val670Leu)

Gene: DNM1L (dynamin 1L; plus strand). Cytogenetic location: 12p11.21.
Variant type: single nucleotide variant.
Coding change: c.2008G>C on transcript NM_012062.5 (MANE Select); coding-DNA position 2008, G replaced by C.
Protein change: p.Val670Leu; replaces valine 670 with leucine.
Molecular consequence: missense variant.
Genome position (GRCh38, 1-based): chr12:32,742,602, G>C. VCF-style: chr12-32742602-G-C. GRCh37 (hg19) VCF-style: chr12-32895536-G-C.
Other names: c.2008G>C (NM_012062.3); c.1975G>C, p.Val659Leu (NM_001278463.2); c.2047G>C, p.Val683Leu (NM_001278464.2); c.2014G>C, p.Val672Leu (NM_001278465.2); c.1399G>C, p.Val467Leu (NM_001278466.2); c.1936G>C, p.Val646Leu (NM_001330380.2); c.1897G>C, p.Val633Leu (NM_005690.5); c.1930G>C, p.Val644Leu (NM_012063.4); short protein forms V633L, V644L, V670L, V659L, V683L, V467L, V646L, V672L.
Identifiers: ClinVar variation 1392208 (VCV001392208.8), dbSNP rs1955385587, ClinGen allele CA384365558.